The following is an entry in ClinVar:

NM_006208.3(ENPP1):c.26G>A (p.Gly9Asp)

Gene: ENPP1 (ectonucleotide pyrophosphatase/phosphodiesterase 1; plus strand). Cytogenetic location: 6q23.2.
Variant type: single nucleotide variant.
Coding change: c.26G>A on transcript NM_006208.3 (MANE Select); coding-DNA position 26, G replaced by A.
Protein change: p.Gly9Asp; replaces glycine 9 with aspartic acid.
Molecular consequence: missense variant.
Genome position (GRCh38, 1-based): chr6:131,808,061, G>A. VCF-style: chr6-131808061-G-A. GRCh37 (hg19) VCF-style: chr6-132129201-G-A.
Other names: short protein forms G9D.
Identifiers: ClinVar variation 1990164 (VCV001990164.4), dbSNP rs1781300468, ClinGen allele CA365660686.
Genomic context (GRCh38, chr6:131,808,061, plus strand): 5'-GGCCGGGCAGCGGGGCCGGAGCGGCCGGGGCCACGATGGAGCGCGACGGCTGCGCGGGGG[G>A]CGGGAGCCGCGGCGGCGAGGGCGGGCGCGCTCCCCGGGAGGGCCCGGCGGGGAACGGCCG-3'
Protein context (NP_006199.2, residues 1-19): MERDGCAG[Gly9Asp]GSRGGEGGRA

ClinVar aggregate classification (germline): Uncertain significance (1 of 4 stars; one submission).

Allele frequency attached by ClinVar (database versions not stated): gnomAD 0.00001; gnomAD exomes 0.00001.
gnomAD v4.1: 12 of 991,438 alleles (0.0012%); highest among the groups gnomAD compares: Admixed American, 0.0061%; no homozygotes.

Submission:

Labcorp Genetics (formerly Invitae), Labcorp
Classification: Uncertain significance. Last evaluated: 2024-01-14. Review status: criteria provided, single submitter. Criteria: Invitae Variant Classification Sherloc (09022015). Collection method: clinical testing. Allele origin: germline.
Comment: This sequence change replaces glycine, which is neutral and non-polar, with aspartic acid, which is acidic and polar, at codon 9 of the ENPP1 protein (p.Gly9Asp). The frequency data for this variant in the population databases is considered unreliable, as metrics indicate insufficient coverage at this position in the gnomAD database. This variant has not been reported in the literature in individuals affected with ENPP1-related conditions. ClinVar contains an entry for this variant (Variation ID: 1990164). Experimental studies and prediction algorithms are not available or were not evaluated, and the functional significance of this variant is currently unknown. In summary, the available evidence is currently insufficient to determine the role of this variant in disease. Therefore, it has been classified as a Variant of Uncertain Significance.